The following is an entry in ClinVar:

NM_001739.2(CA5A):c.655A>G (p.Thr219Ala)

Gene: CA5A (carbonic anhydrase 5A; minus strand). Cytogenetic location: 16q24.2.
Variant type: single nucleotide variant.
Coding change: c.655A>G on transcript NM_001739.2 (MANE Select); coding-DNA position 655, A replaced by G.
Protein change: p.Thr219Ala; replaces threonine 219 with alanine.
Molecular consequence: missense variant. On other transcripts: non-coding transcript variant (2).
Genome position (GRCh38, 1-based): chr16:87,891,918, T>C on the plus strand (A>G on the coding strand, the complement: CA5A is on the minus strand). VCF-style: chr16-87891918-T-C. GRCh37 (hg19) VCF-style: chr16-87925524-T-C.
Other names: c.655A>G, p.Thr219Ala (NM_001367225.1); short protein forms T219A.
Identifiers: ClinVar variation 791685 (VCV000791685.10), dbSNP rs148496007, ClinGen allele CA8223327.

ClinVar aggregate classification (germline): Likely benign. Review status: criteria provided, multiple submitters, no conflicts (2 of 4 stars). 3 submissions from 3 submitters: Likely benign (2). 1 of the submissions does not count toward it. Last evaluated 2025-10-01.

Conditions:
Hyperammonemic encephalopathy due to carbonic anhydrase VA deficiency. Also called: Carbonic anhydrase VA deficiency, hyperammonemia due to; Carbonic Anhydrase VA Deficiency. Identifiers: Orphanet 401948, MedGen C4706871, MONDO:0014332, OMIM 615751.
CA5A-related disorder. Also called: CA5A-related condition.

Allele frequency attached by ClinVar (database versions not stated): ExAC 0.00095; gnomAD 0.00169 and 0.00175; ESP Exome Variant Server 0.00193; TOPMed 0.00212; 1000 Genomes Project 30x 0.00250; 1000 Genomes Project 0.00260.
gnomAD v4.1: 545 of 1,560,948 alleles (0.035%); highest among the groups gnomAD compares: African/African-American, 0.64%; 3 homozygotes.

Submissions (3):

Labcorp Genetics (formerly Invitae), Labcorp
Classification: Likely benign for Hyperammonemic encephalopathy due to carbonic anhydrase VA deficiency. Last evaluated: 2025-10-01. Review status: criteria provided, single submitter. Criteria: Invitae Variant Classification Sherloc (09022015). Collection method: clinical testing. Allele origin: germline.

Breakthrough Genomics
Classification: Likely benign. Review status: criteria provided, single submitter. Criteria: ACMG Guidelines, 2015. Collection method: not provided. Allele origin: germline. Inheritance: Autosomal recessive inheritance. Affected: yes.

PreventionGenetics, part of Exact Sciences
Classification: Likely benign for CA5A-related condition. Last evaluated: 2022-10-09. Review status: no assertion criteria provided. Collection method: clinical testing. Allele origin: germline. Not counted in ClinVar's aggregate classification.
Comment: This variant is classified as likely benign based on ACMG/AMP sequence variant interpretation guidelines (Richards et al. 2015 PMID: 25741868, with internal and published modifications).